The following is an entry in ClinVar:

NM_005609.4(PYGM):c.2255C>T (p.Ser752Phe)

Gene: PYGM (glycogen phosphorylase, muscle associated; minus strand). Cytogenetic location: 11q13.1.
Variant type: single nucleotide variant.
Coding change: c.2255C>T on transcript NM_005609.4 (MANE Select); coding-DNA position 2255, C replaced by T.
Protein change: p.Ser752Phe; replaces serine 752 with phenylalanine.
Molecular consequence: missense variant.
Genome position (GRCh38, 1-based): chr11:64,747,281, G>A on the plus strand (C>T on the coding strand, the complement: PYGM is on the minus strand). VCF-style: chr11-64747281-G-A. GRCh37 (hg19) VCF-style: chr11-64514753-G-A.
Other names: c.2255C>T (NM_005609.2); c.1991C>T, p.Ser664Phe (NM_001164716.1); short protein forms S664F, S752F.
Identifiers: ClinVar variation 3600020 (VCV003600020.3).

ClinVar aggregate classification (germline): Uncertain significance. Review status: criteria provided, multiple submitters, no conflicts (2 of 4 stars). 3 submissions from 3 submitters: Uncertain significance (3). Last evaluated 2025-06-10.

Conditions:
Inborn genetic diseases. Identifiers: MedGen C0950123, MeSH D030342.
Glycogen storage disease, type V (GSD5). Also called: McArdle type glycogen storage disease; MCARDLE DISEASE; MUSCLE GLYCOGEN PHOSPHORYLASE DEFICIENCY; MYOPHOSPHORYLASE DEFICIENCY; PYGM DEFICIENCY. Identifiers: Orphanet 368, MedGen C0017924, MONDO:0009293, OMIM 232600.

gnomAD v4.1: 3 of 1,614,198 alleles (0.00019%); highest among the groups gnomAD compares: African/African-American, 0.004%; no homozygotes.

Submissions (3):

Ambry Genetics
Classification: Uncertain significance for Inborn genetic diseases. Last evaluated: 2025-06-10. Review status: criteria provided, single submitter. Criteria: Ambry Variant Classification Scheme 2023. Collection method: clinical testing. Allele origin: germline.

GeneDx
Classification: Uncertain significance. Last evaluated: 2025-04-29. Review status: criteria provided, single submitter. Criteria: GeneDx Variant Classification Process June 2021. Collection method: clinical testing. Allele origin: germline. Affected: yes.
Comment: Not observed at significant frequency in large population cohorts (gnomAD); In silico analysis supports that this missense variant has a deleterious effect on protein structure/function; Has not been previously published as pathogenic or benign to our knowledge

Fulgent Genetics
Classification: Uncertain significance for Glycogen storage disease, type V. Last evaluated: 2024-02-06. Review status: criteria provided, single submitter. Criteria: ACMG Guidelines, 2015. Collection method: clinical testing. Allele origin: germline.